The following is an entry in ClinVar:

ClinVar aggregate classification (germline): Uncertain significance (1 of 4 stars; one submission).

Submission:

GeneDx
Classification: Uncertain significance. Last evaluated: 2024-04-07. Review status: criteria provided, single submitter. Criteria: GeneDx Variant Classification Process June 2021. Collection method: clinical testing. Allele origin: germline. Affected: yes.
Comment: Not observed at significant frequency in large population cohorts (gnomAD); In silico analysis indicates that this missense variant does not alter protein structure/function; Has not been previously published as pathogenic or benign to our knowledge

NM_013450.4(BAZ2B):c.6226A>G (p.Met2076Val)

Gene: BAZ2B (bromodomain adjacent to zinc finger domain 2B; minus strand). Cytogenetic location: 2q24.2.
Variant type: single nucleotide variant.
Coding change: c.6226A>G on transcript NM_013450.4 (MANE Select); coding-DNA position 6226, A replaced by G.
Protein change: p.Met2076Val; replaces methionine 2076 with valine.
Molecular consequence: missense variant.
Genome position (GRCh38, 1-based): chr2:159,324,938, T>C on the plus strand (A>G on the coding strand, the complement: BAZ2B is on the minus strand). VCF-style: chr2-159324938-T-C. GRCh37 (hg19) VCF-style: chr2-160181449-T-C.
Other names: c.6118A>G, p.Met2040Val (NM_001289975.1); c.6169A>G, p.Met2057Val (NM_001329857.2); c.6151A>G, p.Met2051Val (NM_001329858.2); short protein forms M2040V, M2051V, M2057V, M2076V.
Identifiers: ClinVar variation 3371765 (VCV003371765.1).